The following is an entry in ClinVar:

NM_004104.5(FASN):c.5001C>T (p.Pro1667=)

Gene: FASN (fatty acid synthase; minus strand). Cytogenetic location: 17q25.3.
Variant type: single nucleotide variant.
Coding change: c.5001C>T on transcript NM_004104.5 (MANE Select); coding-DNA position 5001, C replaced by T.
Protein change: p.Pro1667=; no amino-acid change (proline 1667 retained).
Molecular consequence: synonymous variant.
Genome position (GRCh38, 1-based): chr17:82,084,072, G>A on the plus strand (C>T on the coding strand, the complement: FASN is on the minus strand). VCF-style: chr17-82084072-G-A. GRCh37 (hg19) VCF-style: chr17-80041948-G-A.
Identifiers: ClinVar variation 772076 (VCV000772076.13), dbSNP rs368052188, ClinGen allele CA8851862.

ClinVar aggregate classification (germline): Benign. Review status: criteria provided, multiple submitters, no conflicts (2 of 4 stars). 3 submissions from 3 submitters: Benign (2). 1 of the submissions does not count toward it. Last evaluated 2025-12-15.

Conditions:
FASN-related disorder. Also called: FASN-related condition.
Epileptic encephalopathy. Identifiers: MedGen C0543888, HP:0200134.

Allele frequency attached by ClinVar (database versions not stated): gnomAD 0.00016; ESP Exome Variant Server 0.00024; TOPMed 0.00021.
gnomAD v4.1: 346 of 1,552,934 alleles (0.022%); highest among the groups gnomAD compares: South Asian, 0.29%; 2 homozygotes.

Submissions (3):

Labcorp Genetics (formerly Invitae), Labcorp
Classification: Benign for Epileptic encephalopathy. Last evaluated: 2025-12-15. Review status: criteria provided, single submitter. Criteria: Invitae Variant Classification Sherloc (09022015). Collection method: clinical testing. Allele origin: germline.

Breakthrough Genomics
Classification: Benign. Review status: criteria provided, single submitter. Criteria: ACMG Guidelines, 2015. Collection method: not provided. Allele origin: germline. Inheritance: Unknown mechanism. Affected: yes.

PreventionGenetics, part of Exact Sciences
Classification: Likely benign for FASN-related condition. Last evaluated: 2023-07-18. Review status: no assertion criteria provided. Collection method: clinical testing. Allele origin: germline. Not counted in ClinVar's aggregate classification.
Comment: This variant is classified as likely benign based on ACMG/AMP sequence variant interpretation guidelines (Richards et al. 2015 PMID: 25741868, with internal and published modifications).